The following is an entry in ClinVar:

ClinVar aggregate classification (germline): Likely pathogenic (1 of 4 stars; one submission).

Submission:

Labcorp Genetics (formerly Invitae), Labcorp
Classification: Likely pathogenic. Last evaluated: 2021-07-19. Review status: criteria provided, single submitter. Criteria: Invitae Variant Classification Sherloc (09022015). Collection method: clinical testing. Allele origin: germline.
Comment: In summary, the currently available evidence indicates that the variant is pathogenic, but additional data are needed to prove that conclusively. Therefore, this variant has been classified as Likely Pathogenic. This variant has not been reported in the literature in individuals affected with LRPPRC-related conditions. This variant results in a copy number gain of the genomic region encompassing exon(s) 3-14 of the LRPPRC gene. While the exact position of this variant cannot be determined from the data, sub-genic copy number gains are generally in tandem (PMID: 25640679). This variant is predicted to be out-of-frame, and may result in an absent or disrupted protein product. Loss-of-function variants in LRPPRC are known to be pathogenic (PMID: 26510951).

Literature cited by the submitters: PubMed 25640679; PubMed 26510951.

NC_000002.11:g.(?_44184514)_(44207097_?)dup

Gene: LRPPRC (leucine rich pentatricopeptide repeat containing; minus strand). Cytogenetic location: 2p21.
Variant type: Duplication.
Identifiers: ClinVar variation 1346193 (VCV001346193.4).